The following is an entry in ClinVar:

ClinVar aggregate classification (germline): Uncertain significance (1 of 4 stars; one submission).

Conditions:
Familial cold autoinflammatory syndrome 3 (FCAS3). Also called: FAMILIAL ATYPICAL COLD URTICARIA; ANTIBODY DEFICIENCY AND IMMUNE DYSREGULATION, PLCG2-ASSOCIATED. Identifiers: Orphanet 300359, MedGen C3280914, MONDO:0013766, OMIM 614468.

Allele frequency attached by ClinVar (database versions not stated): gnomAD exomes 0.00001 and 0.00002; ExAC 0.00005; ESP Exome Variant Server 0.00008.
gnomAD v4.1: 16 of 1,609,772 alleles (0.00099%); highest among the groups gnomAD compares: Non-Finnish European, 0.0014%; no homozygotes.

Submission:

Labcorp Genetics (formerly Invitae), Labcorp
Classification: Uncertain significance for Familial cold autoinflammatory syndrome 3. Last evaluated: 2025-06-17. Review status: criteria provided, single submitter. Criteria: Invitae Variant Classification Sherloc (09022015). Collection method: clinical testing. Allele origin: germline.
Comment: This sequence change falls in intron 16 of the PLCG2 gene. It does not directly change the encoded amino acid sequence of the PLCG2 protein. It affects a nucleotide within the consensus splice site. This variant is present in population databases (rs375703615, gnomAD 0.006%). This variant has not been reported in the literature in individuals affected with PLCG2-related conditions. ClinVar contains an entry for this variant (Variation ID: 1350189). Variants that disrupt the consensus splice site are a relatively common cause of aberrant splicing (PMID: 17576681, 9536098). Algorithms developed to predict the effect of sequence changes on RNA splicing suggest that this variant is not likely to affect RNA splicing. In summary, the available evidence is currently insufficient to determine the role of this variant in disease. Therefore, it has been classified as a Variant of Uncertain Significance.

Literature cited by the submitters: PubMed 17576681; PubMed 9536098.

NM_002661.5(PLCG2):c.1557+5G>A

Gene: PLCG2 (phospholipase C gamma 2; plus strand). Cytogenetic location: 16q23.3.
Variant type: single nucleotide variant.
Coding change: c.1557+5G>A on transcript NM_002661.5 (MANE Select); 5 bases into the intron after coding-DNA position 1557, G replaced by A.
Molecular consequence: intron variant.
Genome position (GRCh38, 1-based): chr16:81,907,779, G>A. VCF-style: chr16-81907779-G-A. GRCh37 (hg19) VCF-style: chr16-81941384-G-A.
Identifiers: ClinVar variation 1350189 (VCV001350189.6), dbSNP rs375703615, ClinGen allele CA8193819.
Genomic context (GRCh38, chr16:81,907,779, plus strand): 5'-CCAAGCTGTCCTTCAGTGATGACATTGAACAGACTATGGAGGAGGAAGTGCCCCAGGTAG[G>A]GGGACACCCTAGCCACATAGGGAGGAGGTCCCCAGGAACCCCGAGGACCAGCCAGTCCCC-3'